The following is an entry in ClinVar:

ClinVar aggregate classification (germline): Pathogenic (1 of 4 stars; one submission).

Conditions:
Pierpont syndrome (PRPTS). Identifiers: Orphanet 487825, MedGen C1865644, MONDO:0011213, OMIM 602342.

Submission:

Labcorp Genetics (formerly Invitae), Labcorp
Classification: Pathogenic for Pierpont syndrome. Last evaluated: 2021-10-10. Review status: criteria provided, single submitter. Criteria: Invitae Variant Classification Sherloc (09022015). Collection method: clinical testing. Allele origin: germline.
Comment: For these reasons, this variant has been classified as Pathogenic. This variant has not been reported in the literature in individuals affected with TBL1XR1-related conditions. This variant is not present in population databases (ExAC no frequency). This sequence change creates a premature translational stop signal (p.Arg14Asnfs*17) in the TBL1XR1 gene. It is expected to result in an absent or disrupted protein product. Loss-of-function variants in TBL1XR1 are known to be pathogenic (PMID: 23160955, 26740553, 27824329).

Literature cited by the submitters: PubMed 23160955; PubMed 26740553; PubMed 27824329.

NM_024665.7(TBL1XR1):c.41del (p.Arg14fs)

Gene: TBL1XR1 (TBL1X/Y related 1; minus strand). Cytogenetic location: 3q26.32.
Variant type: Deletion.
Coding change: c.41del on transcript NM_024665.7 (MANE Select); coding-DNA position 41, one base deleted (G; older notation c.41delG).
Protein change: p.Arg14fs; shifts the reading frame from arginine 14.
Molecular consequence: frameshift variant. On other transcripts: intron variant (2).
Genome position (GRCh38, 1-based): chr3:177,064,937, C deleted on the plus strand (G on the coding strand, the reverse complement: TBL1XR1 is on the minus strand). VCF-style (leftmost placement, unchanged base first): chr3-177064936-TC-T. GRCh37 (hg19) VCF-style: chr3-176782724-TC-T.
Other names: c.41del, p.Arg14fs (NM_001321193.3, NM_001321194.3, NM_001374327.1 and 2 more transcripts); c.-203-11019del (NM_001374330.1, NM_001321195.3); short protein forms R14fs.
Identifiers: ClinVar variation 1452089 (VCV001452089.6), dbSNP rs2108539881, ClinGen allele CA2573136828.